The following is an entry in ClinVar:

ClinVar aggregate classification (germline): Uncertain significance (1 of 4 stars; one submission).

Conditions:
Epileptic encephalopathy. Identifiers: MedGen C0543888, HP:0200134.

gnomAD v4.1: 2 of 1,599,328 alleles (0.00013%); highest among the groups gnomAD compares: Non-Finnish European, 0.00017%; no homozygotes.

Submission:

Labcorp Genetics (formerly Invitae), Labcorp
Classification: Uncertain significance for Epileptic encephalopathy. Last evaluated: 2022-09-01. Review status: criteria provided, single submitter. Criteria: Invitae Variant Classification Sherloc (09022015). Collection method: clinical testing. Allele origin: germline.
Comment: Algorithms developed to predict the effect of missense changes on protein structure and function (SIFT, PolyPhen-2, Align-GVGD) all suggest that this variant is likely to be disruptive. This sequence change replaces glutamic acid, which is acidic and polar, with aspartic acid, which is acidic and polar, at codon 1547 of the RYR3 protein (p.Glu1547Asp). This variant is not present in population databases (gnomAD no frequency). This variant has not been reported in the literature in individuals affected with RYR3-related conditions. ClinVar contains an entry for this variant (Variation ID: 1421597). In summary, the available evidence is currently insufficient to determine the role of this variant in disease. Therefore, it has been classified as a Variant of Uncertain Significance.

NM_001036.6(RYR3):c.4641G>T (p.Glu1547Asp)

Gene: RYR3 (ryanodine receptor 3; plus strand). Cytogenetic location: 15q14.
Variant type: single nucleotide variant.
Coding change: c.4641G>T on transcript NM_001036.6 (MANE Select); coding-DNA position 4641, G replaced by T.
Protein change: p.Glu1547Asp; replaces glutamic acid 1547 with aspartic acid.
Molecular consequence: missense variant.
Genome position (GRCh38, 1-based): chr15:33,662,171, G>T. VCF-style: chr15-33662171-G-T. GRCh37 (hg19) VCF-style: chr15-33954372-G-T.
Other names: c.4641G>T, p.Glu1547Asp (NM_001243996.4); short protein forms E1547D.
Identifiers: ClinVar variation 1421597 (VCV001421597.8), dbSNP rs2152705984, ClinGen allele CA391568275.